The following is an entry in ClinVar:

ClinVar aggregate classification (germline): Uncertain significance. Review status: criteria provided, multiple submitters, no conflicts (2 of 4 stars). 6 submissions from 6 submitters: Uncertain significance (6). Last evaluated 2025-10-23.

Conditions:
Cardiovascular phenotype. Identifiers: MedGen CN230736.
Arrhythmogenic right ventricular dysplasia 5. Also called: ARRHYTHMOGENIC RIGHT VENTRICULAR DYSPLASIA, FAMILIAL, 5; Arrhythmogenic Right Ventricular Dysplasia/Cardiomyopathy 5. Identifiers: MedGen C1858379, MONDO:0011459, OMIM 604400.
Cardiomyopathy (CMYO). Also called: Cardiomyopathies. Identifiers: Orphanet 167848, MedGen C0878544, MONDO:0004994, HP:0001638. Inheritance: Various modes of inheritance.

Allele frequency attached by ClinVar (database versions not stated): TOPMed 0.00002; gnomAD exomes 0.00001.
gnomAD v4.1: 9 of 1,614,182 alleles (0.00056%); highest among the groups gnomAD compares: Admixed American, 0.0033%; no homozygotes.

Submissions (6):

Labcorp Genetics (formerly Invitae), Labcorp
Classification: Uncertain significance for Arrhythmogenic right ventricular dysplasia 5. Last evaluated: 2025-10-23. Review status: criteria provided, single submitter. Criteria: Invitae Variant Classification Sherloc (09022015). Collection method: clinical testing. Allele origin: germline.
Comment: This sequence change replaces phenylalanine, which is neutral and non-polar, with cysteine, which is neutral and slightly polar, at codon 320 of the TMEM43 protein (p.Phe320Cys). This variant is present in population databases (no rsID available, gnomAD 0.003%). This variant has not been reported in the literature in individuals affected with TMEM43-related conditions. ClinVar contains an entry for this variant (Variation ID: 919033). Invitae Evidence Modeling of protein sequence and biophysical properties (such as structural, functional, and spatial information, amino acid conservation, physicochemical variation, residue mobility, and thermodynamic stability) has been performed for this missense variant. However, the output from this modeling did not meet the statistical confidence thresholds required to predict the impact of this variant on TMEM43 protein function. In summary, the available evidence is currently insufficient to determine the role of this variant in disease. Therefore, it has been classified as a Variant of Uncertain Significance.

GeneDx
Classification: Uncertain significance. Last evaluated: 2025-02-26. Review status: criteria provided, single submitter. Criteria: GeneDx Variant Classification Process June 2021. Collection method: clinical testing. Allele origin: germline.
Comment: Has not been previously published as pathogenic or benign to our knowledge; Not observed at significant frequency in large population cohorts (gnomAD); In silico analysis supports that this missense variant has a deleterious effect on protein structure/function

Ambry Genetics
Classification: Uncertain significance for Cardiovascular phenotype. Last evaluated: 2024-12-17. Review status: criteria provided, single submitter. Criteria: Ambry Variant Classification Scheme 2023. Collection method: clinical testing. Allele origin: germline.
Comment: The p.F320C variant (also known as c.959T>G), located in coding exon 11 of the TMEM43 gene, results from a T to G substitution at nucleotide position 959. The phenylalanine at codon 320 is replaced by cysteine, an amino acid with highly dissimilar properties. This amino acid position is well conserved in available vertebrate species. In addition, this alteration is predicted to be deleterious by in silico analysis. Based on the available evidence, the clinical significance of this variant remains unclear.

Color Diagnostics, LLC DBA Color Health
Classification: Uncertain significance for Cardiomyopathy. Last evaluated: 2024-03-06. Review status: criteria provided, single submitter. Criteria: ACMG Guidelines, 2015. Collection method: clinical testing. Allele origin: germline.
Comment: This missense variant replaces phenylalanine with cysteine at codon 320 of the TMEM43 protein. Computational prediction is inconclusive regarding the impact of this variant on protein structure and function (internally defined REVEL score threshold 0.5 < inconclusive < 0.7, PMID: 27666373). To our knowledge, functional studies have not been reported for this variant. This variant has not been reported in individuals affected with cardiovascular disorders in the literature. This variant has been identified in 2/251456 chromosomes in the general population by the Genome Aggregation Database (gnomAD). The available evidence is insufficient to determine the role of this variant in disease conclusively. Therefore, this variant is classified as a Variant of Uncertain Significance.

All of Us Research Program, National Institutes of Health
Classification: Uncertain significance for Arrhythmogenic right ventricular dysplasia 5. Last evaluated: 2023-12-13. Review status: criteria provided, single submitter. Criteria: ACMG Guidelines, 2015. Collection method: clinical testing. Allele origin: germline. Inheritance: Autosomal dominant inheritance. Observed: 4 variant alleles, 4 heterozygotes.
Comment: This missense variant replaces phenylalanine with cysteine at codon 320 of the TMEM43 protein. Computational prediction is inconclusive regarding the impact of this variant on protein structure and function (internally defined REVEL score threshold 0.5 < inconclusive < 0.7, PMID: 27666373). To our knowledge, functional studies have not been reported for this variant. This variant has not been reported in individuals affected with cardiovascular disorders in the literature. This variant has been identified in 2/251456 chromosomes in the general population by the Genome Aggregation Database (gnomAD). The available evidence is insufficient to determine the role of this variant in disease conclusively. Therefore, this variant is classified as a Variant of Uncertain Significance.

This study involves interpretation of variants in research participants for the purpose of population health screening. Participant phenotype was not available at the time of variant classification. Additional details can be found in publication PMID: 35346344, PMCID: PMC8962531

Mayo Clinic Laboratories, Mayo Clinic
Classification: Uncertain significance. Last evaluated: 2019-06-17. Review status: criteria provided, single submitter. Criteria: ACMG Guidelines, 2015. Collection method: clinical testing. Allele origin: germline. Observed: 1 variant allele.

NM_024334.3(TMEM43):c.959T>G (p.Phe320Cys)

Gene: TMEM43 (transmembrane protein 43; plus strand). Cytogenetic location: 3p25.1.
Variant type: single nucleotide variant.
Coding change: c.959T>G on transcript NM_024334.3 (MANE Select); coding-DNA position 959, T replaced by G.
Protein change: p.Phe320Cys; replaces phenylalanine 320 with cysteine.
Molecular consequence: missense variant.
Genome position (GRCh38, 1-based): chr3:14,139,256, T>G. VCF-style: chr3-14139256-T-G. GRCh37 (hg19) VCF-style: chr3-14180756-T-G.
Other names: short protein forms F320C.
Identifiers: ClinVar variation 919033 (VCV000919033.19), dbSNP rs886787374, ClinGen allele CA69733957.
Genomic context (GRCh38, chr3:14,139,256, plus strand): 5'-AACTAAGGAGCAACTCCATGAAGACCTGGGGCCTGCGGGCAGCTGGCTGGATGGCCATGT[T>G]CATGGGCCTCAACCTTATGACACGGATCCTCTACACCTTGGGTAGGTGTTGGGGTGGGTC-3'
Protein context (NP_077310.1, residues 310-330): GLRAAGWMAM[Phe320Cys]MGLNLMTRIL